The following is an entry in ClinVar:

NM_000213.5(ITGB4):c.4509G>A (p.Ser1503=)

Genes: ITGB4 (integrin subunit beta 4; plus strand), GALK1 (galactokinase 1; minus strand). Cytogenetic location: 17q25.1.
Variant type: single nucleotide variant.
Coding change: c.4509G>A on transcript NM_000213.5 (MANE Select); coding-DNA position 4509, G replaced by A.
Protein change: p.Ser1503=; no amino-acid change (serine 1503 retained).
Molecular consequence: synonymous variant. On other transcripts: intron variant (1).
Genome position (GRCh38, 1-based): chr17:75,754,766, G>A. VCF-style: chr17-75754766-G-A. GRCh37 (hg19) VCF-style: chr17-73750847-G-A.
Other names: c.4299G>A, p.Ser1433= (NM_001005619.2, NM_001005731.3, NM_001321123.2 and 1 more transcripts); c.*23-3029C>T (NM_001381985.1).
Identifiers: ClinVar variation 325194 (VCV000325194.38), dbSNP rs3191773, ClinGen allele CA8770131.

ClinVar aggregate classification (germline): Benign/Likely benign. Review status: criteria provided, multiple submitters, no conflicts (2 of 4 stars). 4 submissions from 4 submitters: Benign (1); Likely benign (3). Last evaluated 2026-08-01.

Conditions:
Junctional epidermolysis bullosa with pyloric atresia. Also called: EPIDERMOLYSIS BULLOSA, JUNCTIONAL 5B, WITH PYLORIC ATRESIA; Junctional Epidermolysis Bullosa- Pyloric Atresia Syndrome; APLASIA CUTIS CONGENITA WITH GASTROINTESTINAL ATRESIA; CARMI SYNDROME; EB-PA-ACC; ITGB4-Related Epidermolysis Bullosa with Pyloric Atresia. Identifiers: Orphanet 79403, MedGen C5676875, MONDO:0009183, OMIM 226730.

Allele frequency attached by ClinVar (database versions not stated): 1000 Genomes Project 30x 0.00031; 1000 Genomes Project 0.00040; TOPMed 0.00176; ExAC 0.00278; gnomAD exomes 0.00262 and 0.00297; ESP Exome Variant Server 0.00146; gnomAD 0.00231 and 0.00241.
gnomAD v4.1: 4,667 of 1,612,422 alleles (0.29%); highest among the groups gnomAD compares: Non-Finnish European, 0.32%; 12 homozygotes.

Submissions (4):

CeGaT Center for Human Genetics Tuebingen
Classification: Likely benign. Last evaluated: 2026-08-01. Review status: criteria provided, single submitter. Criteria: CeGaT Center For Human Genetics Tuebingen Variant Classification Criteria Version 2. Collection method: clinical testing. Allele origin: germline. Affected: yes. Observed: 6 variant alleles.
Comment: GALK1: BS2; ITGB4: BP4, BP7

Labcorp Genetics (formerly Invitae), Labcorp
Classification: Benign. Last evaluated: 2026-01-19. Review status: criteria provided, single submitter. Criteria: Invitae Variant Classification Sherloc (09022015). Collection method: clinical testing. Allele origin: germline.

Blueprint Genetics
Classification: Likely benign. Last evaluated: 2024-11-22. Review status: criteria provided, single submitter. Criteria: ACMG Guidelines, 2015. Collection method: clinical testing. Allele origin: germline.

Illumina Laboratory Services, Illumina
Classification: Likely benign for Junctional epidermolysis bullosa with pyloric atresia. Last evaluated: 2018-01-13. Review status: criteria provided, single submitter. Criteria: ICSL Variant Classification Criteria 13 December 2019. Collection method: clinical testing. Allele origin: germline.
Comment: This variant was observed in the ICSL laboratory as part of a predisposition screen in an ostensibly healthy population. It had not been previously curated by ICSL or reported in the Human Gene Mutation Database (HGMD: prior to June 1st, 2018), and was therefore a candidate for classification through an automated scoring system. Utilizing variant allele frequency, disease prevalence and penetrance estimates, and inheritance mode, an automated score was calculated to assess if this variant is too frequent to cause the disease. Based on the score and internal cut-off values, a variant classified as likely benign is not then subjected to further curation. The score for this variant resulted in a classification of likely benign for this disease.